The following is an entry in ClinVar:

ClinVar aggregate classification (germline): Pathogenic. Review status: criteria provided, single submitter (1 of 4 stars). 2 submissions from 2 submitters: Pathogenic (1). 1 of the submissions does not count toward it. Last evaluated 2025-11-24.

Conditions:
Mitochondrial disease. Also called: Mitochondrial disorder; Mitochondrial disorders. Identifiers: Orphanet 68380, MedGen C0751651, MeSH D028361, MONDO:0044970.
Mitochondrial DNA depletion syndrome, myopathic form (MTDPS2). Also called: MITOCHONDRIAL DNA DEPLETION MYOPATHY, TK2-RELATED; MITOCHONDRIAL DNA DEPLETION SYNDROME 2 (MYOPATHIC TYPE); TK2-Related Mitochondrial DNA Maintenance Defect, Myopathic Form. Identifiers: Orphanet 254875, MedGen C3149750, MONDO:0012301, OMIM 609560.

Submissions (2):

Genomenon, Inc
Classification: Pathogenic for Mitochondrial disease. Last evaluated: 2025-11-24. Review status: criteria provided, single submitter. Criteria: Genomenon Sequence Variant Interpretation Standards - Updated. Collection method: curation. Allele origin: germline. Affected: yes.
Comment: TK2 p.Trp4ValfsTer40 (c.8dup) is a frameshift variant that results in the production of a truncated protein which is predicted to have a deleterious effect on TK2 gene function. It is also described as c.134dup and W42VfsX40 in the literature. This variant has been observed in a proband affected with mitochondrial disease in the compound heterozygous state (22345218). This variant is not present at a significant frequency in gnomAD. In conclusion, we classify TK2 p.Trp4ValfsTer40 (c.8dup) as a pathogenic variant.

OMIM
Classification: Pathogenic for MITOCHONDRIAL DNA DEPLETION SYNDROME 2 (MYOPATHIC TYPE). Last evaluated: 2012-02-28. Review status: no assertion criteria provided. Collection method: literature only. Allele origin: germline. Not counted in ClinVar's aggregate classification.

Literature cited by the submitters: PubMed 22345218 (cited by Genomenon, Inc and OMIM); PubMed 31125140 (cited by Genomenon, Inc).

NM_004614.5(TK2):c.8dup (p.Trp4fs)

Gene: TK2 (thymidine kinase 2; minus strand). Cytogenetic location: 16q21.
Variant type: Duplication.
Coding change: c.8dup on transcript NM_004614.5 (MANE Select); coding-DNA position 8, one base duplicated (T; older notation c.8dupT).
Protein change: p.Trp4fs; shifts the reading frame from tryptophan 4.
Molecular consequence: frameshift variant. On other transcripts: 5 prime UTR variant (2), non-coding transcript variant (1), intron variant (2).
Genome position (GRCh38, 1-based): chr16:66,550,054, A duplicated on the plus strand (T on the coding strand, the reverse complement: TK2 is on the minus strand). VCF-style (leftmost placement, unchanged base first): chr16-66550053-C-CA. GRCh37 (hg19) VCF-style: chr16-66583956-C-CA.
Other names: c.8dup, p.Trp4fs (NM_001172644.2, NM_001172645.2); c.-235dup (NM_001271934.2); c.-645dup (NM_001272050.2); c.31+199dup (NM_001271935.1, NM_001172643.1); c.8dup (NM_004614.4).
Identifiers: ClinVar variation 39416 (VCV000039416.3), dbSNP rs281865502, ClinGen allele CA343322.